The following is an entry in ClinVar:

ClinVar aggregate classification (germline): Uncertain significance (1 of 4 stars; one submission).

Submission:

GeneDx
Classification: Uncertain significance. Last evaluated: 2019-07-18. Review status: criteria provided, single submitter. Criteria: GeneDx Variant Classification Process June 2021. Collection method: clinical testing. Allele origin: germline. Affected: yes.
Comment: Not observed in large population cohorts (Lek et al., 2016); In silico analysis, which includes protein predictors and evolutionary conservation, supports a deleterious effect; Has not been previously published as pathogenic or benign to our knowledge; De novo variant with confirmed parentage

NM_001127222.2(CACNA1A):c.2789G>C (p.Arg930Pro)

Gene: CACNA1A (calcium voltage-gated channel subunit alpha1 A; minus strand). Cytogenetic location: 19p13.13.
Variant type: single nucleotide variant.
Coding change: c.2789G>C on transcript NM_001127222.2 (MANE Select); coding-DNA position 2789, G replaced by C.
Protein change: p.Arg930Pro; replaces arginine 930 with proline.
Molecular consequence: missense variant.
Genome position (GRCh38, 1-based): chr19:13,298,844, C>G on the plus strand (G>C on the coding strand, the complement: CACNA1A is on the minus strand). VCF-style: chr19-13298844-C-G. GRCh37 (hg19) VCF-style: chr19-13409658-C-G.
Other names: c.2801G>C, p.Arg934Pro (NM_000068.4, NM_023035.3); c.2792G>C, p.Arg931Pro (NM_001127221.2, NM_001174080.2); short protein forms R930P, R931P, R934P.
Identifiers: ClinVar variation 1307123 (VCV001307123.2), dbSNP rs766234558, ClinGen allele CA404342711.